The following is an entry in ClinVar:

ClinVar aggregate classification (germline): Pathogenic (0 of 4 stars; one submission).

Conditions:
Pyruvate dehydrogenase E1-alpha deficiency (PDHAD). Also called: ATAXIA, INTERMITTENT, WITH PYRUVATE DEHYDROGENASE DEFICIENCY; ATAXIA WITH LACTIC ACIDOSIS I; ATAXIA, INTERMITTENT, WITH ABNORMAL PYRUVATE METABOLISM; Ataxia, intermittent, with pyruvate dehydrogenase, or decarboxylase, deficiency. Identifiers: Orphanet 79243, MedGen C1839413, MONDO:0010717, OMIM 312170.

Submission:

PDHA1 Study Group, University Children’s Hospital, Paracelsus Medical University
Classification: Pathogenic for Pyruvate dehydrogenase E1-alpha deficiency. Last evaluated: 2024-10-15. Review status: no assertion criteria provided. Collection method: research. Allele origin: germline. Affected: yes. Observed: 1 variant allele.
Comment: The NM_000284.3:c.691A>G (p.Thr231Ala) substitution is a missense variant in PDHA1 gene. The variant has been reported in 1 published case (PMIDs: 8504306). Last literature search: July 12, 2024. This variant is absent or extremely rare in population-based cohorts in the Genome Aggregation Database (gnomAD). Individuals harboring this variant presented with clinical features compatible with PDHA1-related PDHc deficiency. In summary, this variant meets criteria to be classified as pathogenic (P) for PDHA1-related PDHc deficiency based on the ACMG/AMP criteria applied: PS3, PM1, PM2, PM7, PP3 (last assessment October 15, 2024).

Literature cited by the submitters: PubMed 8504306; DOI 10.1093/brain/awaf430.

NM_000284.4(PDHA1):c.691A>G (p.Thr231Ala)

Gene: PDHA1 (pyruvate dehydrogenase E1 subunit alpha 1; plus strand). Cytogenetic location: Xp22.12.
Variant type: single nucleotide variant.
Coding change: c.691A>G on transcript NM_000284.4 (MANE Select); coding-DNA position 691, A replaced by G.
Protein change: p.Thr231Ala; replaces threonine 231 with alanine.
Molecular consequence: missense variant.
Genome position (GRCh38, 1-based): chrX:19,355,436, A>G. VCF-style: chrX-19355436-A-G. GRCh37 (hg19) VCF-style: chrX-19373554-A-G.
Other names: c.805A>G, p.Thr269Ala (NM_001173454.2); c.712A>G, p.Thr238Ala (NM_001173455.2); c.598A>G, p.Thr200Ala (NM_001173456.2); short protein forms T200A, T231A, T238A, T269A.
Identifiers: ClinVar variation 4070358 (VCV004070358.1).
Genomic context (GRCh38, chrX:19,355,436, plus strand): 5'-GCAGCTTTGTGGAAATTACCTTGTATTTTCATCTGTGAGAATAATCGCTATGGAATGGGA[A>G]CGTCTGTTGAGAGAGCGGCAGCCAGCACTGATTACTACAAGAGAGGCGATTTCATTCCTG-3'
Protein context (NP_000275.1, residues 221-241): ICENNRYGMG[Thr231Ala]SVERAAASTD